The following is an entry in ClinVar:

NM_002691.4(POLD1):c.3244C>T (p.Arg1082Cys)

Gene: POLD1 (DNA polymerase delta 1, catalytic subunit; plus strand). Cytogenetic location: 19q13.33.
Variant type: single nucleotide variant.
Coding change: c.3244C>T on transcript NM_002691.4 (MANE Select); coding-DNA position 3244, C replaced by T.
Protein change: p.Arg1082Cys; replaces arginine 1082 with cysteine.
Molecular consequence: missense variant. On other transcripts: non-coding transcript variant (1).
Genome position (GRCh38, 1-based): chr19:50,417,867, C>T. VCF-style: chr19-50417867-C-T. GRCh37 (hg19) VCF-style: chr19-50921124-C-T.
Other names: c.3244C>T, p.Arg1082Cys (NM_001256849.1); c.3322C>T, p.Arg1108Cys (NM_001308632.1); c.3244C>T (NM_002691.2); short protein forms R1082C, R1108C.
Identifiers: ClinVar variation 537091 (VCV000537091.11), dbSNP rs1307047144, ClinGen allele CA406987749.
Genomic context (GRCh38, chr19:50,417,867, plus strand): 5'-GCTGGTCCTGACCCTGCCCCTGCCCCCACCCGCAGCCGGGACTGCCCCATCTTCTACATG[C>T]GCAAGAAGGTGCGGAAGGACCTGGAAGACCAGGAGCAGCTCCTGCGGCGCTTCGGACCCC-3'
Protein context (NP_002682.2, residues 1072-1092): TSRDCPIFYM[Arg1082Cys]KKVRKDLEDQ

ClinVar aggregate classification (germline): Conflicting classifications of pathogenicity. Review status: criteria provided, conflicting classifications (1 of 4 stars). 3 submissions from 3 submitters: Likely pathogenic (1); Uncertain significance (2). Last evaluated 2025-02-18.

Conditions:
Combined immunodeficiency. Also called: Congenital combined immunodeficiency; Combined T and B cell immunodeficiency. Identifiers: Orphanet 101972, MedGen C2711630, MONDO:0015131, HP:0005387.
Hereditary cancer-predisposing syndrome. Also called: Tumor predisposition; Neoplastic Syndromes, Hereditary; Hereditary Cancer Syndrome; Hereditary neoplastic syndrome. Identifiers: Orphanet 140162, MedGen C0027672, MeSH D009386, MONDO:0015356.
POLD1-related polyposis and colorectal cancer syndrome (CRCS10). Also called: Colorectal cancer 10; COLORECTAL CANCER, SUSCEPTIBILITY TO, ON CHROMOSOME 19q; Colorectal cancer, susceptibility to, 10. Identifiers: Orphanet 220460, MedGen C2675481, MONDO:0012953, OMIM 612591.

gnomAD v4.1: 15 of 1,608,926 alleles (0.00093%); highest among the groups gnomAD compares: Non-Finnish European, 0.0013%; no homozygotes.

Submissions (3):

Ambry Genetics
Classification: Uncertain significance for Hereditary cancer-predisposing syndrome. Last evaluated: 2025-02-18. Review status: criteria provided, single submitter. Criteria: Ambry Variant Classification Scheme 2023. Collection method: clinical testing. Allele origin: germline.
Comment: The p.R1082C variant (also known as c.3244C>T), located in coding exon 26 of the POLD1 gene, results from a C to T substitution at nucleotide position 3244. The arginine at codon 1082 is replaced by cysteine, an amino acid with highly dissimilar properties. This amino acid position is highly conserved in available vertebrate species. In addition, the in silico prediction for this alteration is inconclusive. Based on the available evidence, the clinical significance of this variant remains unclear.

Victorian Clinical Genetics Services, Murdoch Childrens Research Institute
Classification: Likely pathogenic for Combined immunodeficiency. Last evaluated: 2024-09-19. Review status: criteria provided, single submitter. Criteria: ACMG Guidelines, 2015. Collection method: clinical testing. Allele origin: germline. Inheritance: Autosomal dominant inheritance. Affected: yes.
Comment: Based on the classification scheme VCGS_Germline_v1.3.4, this variant is classified as Likely Pathogenic. Following criteria are met: 0102 - Loss of function is a known mechanism of disease in this gene and is associated with mandibular hypoplasia, deafness, progeroid features, and lipodystrophy syndrome, (MDPL; MIM#15381), and combined immunodeficiency, MONDO:0015131, POLD1-related. It is the suspected mechanism of colorectal cancer, susceptibility to, 10, (MIM#612591). Variants causing MDPL have retained exonuclease activity (PMID: 30023403, 31750734). (I) 0108 - This gene is associated with both recessive and dominant disease. Monoallelic variants have been identified in patients with MDPL (ClinVar, PMID: 23770608). Biallelic variants have been recently identified in two families with combined immunodeficiency, MONDO:0015131, POLD1-related (PMID: 31629014, 31449058). (I) 0200 - Variant is predicted to result in a missense amino acid change from arginine to cysteine. (I) 0251 - This variant is heterozygous. (I) 0301 - Variant is absent from gnomAD (both v2 and v3). (SP) 0309 - An alternative amino acid change at the same position has been observed in gnomAD (v3) (1 heterozygote, 0 homozygotes). (I) 0502 - Missense variant with conflicting in silico predictions and uninformative conservation. (I) 0601 - Variant is located in the well-established functional zinc finger domain (DECIPHER). It introduces a novel cysteine residue, which are critical residues in these domains (PMID: 31278166). (SP) 0710 - Other missense variants comparable to the one identified in this case have inconclusive previous evidence for pathogenicity. Alternative changes to glycine, leucine, histidine and proline have all been reported as VUS (ClinVar). (I) 0807 - This variant has no previous evidence of pathogenicity. (I) 0905 - No published segregation evidence has been identified for this variant. (I) 1007 - No published functional evidence has been identified for this variant. (I) 1201 - Heterozygous variant detected in trans with a second likely pathogenic heterozygous variant (NM_002691.3(PLOD1):c.2251-1G>C) in a recessive disease. (I) Legend: (SP) - Supporting pathogenic, (I) - Information, (SB) - Supporting benign

Labcorp Genetics (formerly Invitae), Labcorp
Classification: Uncertain significance for POLD1-related polyposis and colorectal cancer syndrome. Last evaluated: 2024-06-25. Review status: criteria provided, single submitter. Criteria: Invitae Variant Classification Sherloc (09022015). Collection method: clinical testing. Allele origin: germline.
Comment: This sequence change replaces arginine, which is basic and polar, with cysteine, which is neutral and slightly polar, at codon 1082 of the POLD1 protein (p.Arg1082Cys). This variant is not present in population databases (gnomAD no frequency). This variant has not been reported in the literature in individuals affected with POLD1-related conditions. ClinVar contains an entry for this variant (Variation ID: 537091). Advanced modeling of protein sequence and biophysical properties (such as structural, functional, and spatial information, amino acid conservation, physicochemical variation, residue mobility, and thermodynamic stability) performed at Invitae indicates that this missense variant is expected to disrupt POLD1 protein function with a positive predictive value of 80%. In summary, the available evidence is currently insufficient to determine the role of this variant in disease. Therefore, it has been classified as a Variant of Uncertain Significance.

Literature cited by the submitters: PubMed 23770608 (cited by Victorian Clinical Genetics Services, Murdoch Childrens Research Institute); PubMed 30023403 (cited by Victorian Clinical Genetics Services, Murdoch Childrens Research Institute); PubMed 31278166 (cited by Victorian Clinical Genetics Services, Murdoch Childrens Research Institute); PubMed 31449058 (cited by Victorian Clinical Genetics Services, Murdoch Childrens Research Institute); PubMed 31629014 (cited by Victorian Clinical Genetics Services, Murdoch Childrens Research Institute); PubMed 31750734 (cited by Victorian Clinical Genetics Services, Murdoch Childrens Research Institute).